The following is an entry in ClinVar:

ClinVar aggregate classification (germline): Uncertain significance (1 of 4 stars; one submission).

Submission:

Labcorp Genetics (formerly Invitae), Labcorp
Classification: Uncertain significance. Last evaluated: 2025-07-06. Review status: criteria provided, single submitter. Criteria: Invitae Variant Classification Sherloc (09022015). Collection method: clinical testing. Allele origin: germline.
Comment: This sequence change replaces proline, which is neutral and non-polar, with serine, which is neutral and polar, at codon 1435 of the MAST1 protein (p.Pro1435Ser). This variant is not present in population databases (gnomAD no frequency). This variant has not been reported in the literature in individuals affected with MAST1-related conditions. An algorithm developed to predict the effect of missense changes on protein structure and function (PolyPhen-2) suggests that this variant is likely to be tolerated. In summary, the available evidence is currently insufficient to determine the role of this variant in disease. Therefore, it has been classified as a Variant of Uncertain Significance.

NM_014975.3(MAST1):c.4303C>T (p.Pro1435Ser)

Gene: MAST1 (microtubule associated serine/threonine kinase 1; plus strand). Cytogenetic location: 19p13.13.
Variant type: single nucleotide variant.
Coding change: c.4303C>T on transcript NM_014975.3 (MANE Select); coding-DNA position 4303, C replaced by T.
Protein change: p.Pro1435Ser; replaces proline 1435 with serine.
Molecular consequence: missense variant.
Genome position (GRCh38, 1-based): chr19:12,874,460, C>T. VCF-style: chr19-12874460-C-T. GRCh37 (hg19) VCF-style: chr19-12985274-C-T.
Other names: short protein forms P1435S.
Identifiers: ClinVar variation 4804455 (VCV004804455.1).